The following is an entry in ClinVar:

NM_005609.4(PYGM):c.1519C>T (p.Arg507Cys)

Gene: PYGM (glycogen phosphorylase, muscle associated; minus strand). Cytogenetic location: 11q13.1.
Variant type: single nucleotide variant.
Coding change: c.1519C>T on transcript NM_005609.4 (MANE Select); coding-DNA position 1519, C replaced by T.
Protein change: p.Arg507Cys; replaces arginine 507 with cysteine.
Molecular consequence: missense variant.
Genome position (GRCh38, 1-based): chr11:64,752,504, G>A on the plus strand (C>T on the coding strand, the complement: PYGM is on the minus strand). VCF-style: chr11-64752504-G-A. GRCh37 (hg19) VCF-style: chr11-64519976-G-A.
Other names: c.1255C>T, p.Arg419Cys (NM_001164716.1); short protein forms R419C, R507C.
Identifiers: ClinVar variation 2149327 (VCV002149327.2), dbSNP rs1420860986, ClinGen allele CA381174275.
Genomic context (GRCh38, chr11:64,752,504, plus strand): 5'-CCACAAAGGAGAGCAGTTTGCGCAGCTGGTCCAGGTCAGAGATGAAGTCCTCCCCGATGC[G>A]CTATGGGAAGACGGCTCTCAGCCAAGCCCATCCCCATGTCCTCCCTCCTCCCAACACAGA-3'
Protein context (NP_005600.1, residues 497-517): NPGLAEVIAE[Arg507Cys]IGEDFISDLD

ClinVar aggregate classification (germline): Uncertain significance (1 of 4 stars; one submission).

Conditions:
Glycogen storage disease, type V (GSD5). Also called: McArdle type glycogen storage disease; MCARDLE DISEASE; MUSCLE GLYCOGEN PHOSPHORYLASE DEFICIENCY; MYOPHOSPHORYLASE DEFICIENCY; PYGM DEFICIENCY. Identifiers: Orphanet 368, MedGen C0017924, MONDO:0009293, OMIM 232600.

Allele frequency attached by ClinVar (database versions not stated): gnomAD exomes 0.00001.
gnomAD v4.1: 17 of 1,613,132 alleles (0.0011%); highest among the groups gnomAD compares: Middle Eastern, 0.017%; no homozygotes.

Submission:

Labcorp Genetics (formerly Invitae), Labcorp
Classification: Uncertain significance for Glycogen storage disease, type V. Last evaluated: 2025-10-02. Review status: criteria provided, single submitter. Criteria: Invitae Variant Classification Sherloc (09022015). Collection method: clinical testing. Allele origin: germline.
Comment: This sequence change replaces arginine, which is basic and polar, with cysteine, which is neutral and slightly polar, at codon 507 of the PYGM protein (p.Arg507Cys). This variant is present in population databases (no rsID available, gnomAD 0.003%). This variant has not been reported in the literature in individuals affected with PYGM-related conditions. ClinVar contains an entry for this variant (Variation ID: 2149327). Invitae Evidence Modeling of protein sequence and biophysical properties (such as structural, functional, and spatial information, amino acid conservation, physicochemical variation, residue mobility, and thermodynamic stability) indicates that this missense variant is not expected to disrupt PYGM protein function with a negative predictive value of 80%. In summary, the available evidence is currently insufficient to determine the role of this variant in disease. Therefore, it has been classified as a Variant of Uncertain Significance.